The following is an entry in ClinVar:

ClinVar aggregate classification (germline): Likely benign (0 of 4 stars; one submission).

Conditions:
DNAH10-related disorder. Also called: DNAH10-related condition.

Allele frequency attached by ClinVar (database versions not stated): TOPMed 0.00006; ESP Exome Variant Server 0.00008; gnomAD exomes 0.00044; gnomAD 0.00071; ExAC 0.00134.
gnomAD v4.1: 733 of 1,566,808 alleles (0.047%); highest among the groups gnomAD compares: Non-Finnish European, 0.0068%; 3 homozygotes.

Submission:

PreventionGenetics, part of Exact Sciences
Classification: Likely benign for DNAH10-related condition. Last evaluated: 2019-08-28. Review status: no assertion criteria provided. Collection method: clinical testing. Allele origin: germline.
Comment: This variant is classified as likely benign based on ACMG/AMP sequence variant interpretation guidelines (Richards et al. 2015 PMID: 25741868, with internal and published modifications).

NM_001372106.1(DNAH10):c.11232G>A (p.Glu3744=)

Genes: DNAH10 (dynein axonemal heavy chain 10; plus strand), LOC126861667 (CDK7 strongly-dependent group 2 enhancer GRCh37_chr12:124402328-124403527; plus strand). Cytogenetic location: 12q24.31.
Variant type: single nucleotide variant.
Coding change: c.11232G>A on transcript NM_001372106.1 (MANE Select); coding-DNA position 11232, G replaced by A.
Protein change: p.Glu3744=; no amino-acid change (glutamic acid 3744 retained).
Molecular consequence: synonymous variant.
Genome position (GRCh38, 1-based): chr12:123,917,813, G>A. VCF-style: chr12-123917813-G-A. GRCh37 (hg19) VCF-style: chr12-124402360-G-A.
Other names: c.10878G>A, p.Glu3626= (NM_001083900.1, NM_207437.3).
Identifiers: ClinVar variation 3053277 (VCV003053277.2), dbSNP rs201971927, ClinGen allele CA6865589.